The following is an entry in ClinVar:

NM_025114.4(CEP290):c.226_227insA (p.Ala76fs)

Gene: CEP290 (centrosomal protein 290; minus strand). Cytogenetic location: 12q21.32.
Variant type: Insertion.
Coding change: c.226_227insA on transcript NM_025114.4 (MANE Select); coding-DNA positions 226 to 227, A inserted.
Protein change: p.Ala76fs; shifts the reading frame from alanine 76.
Molecular consequence: frameshift variant.
Genome position: GRCh38 VCF-style: chr12-88139518-G-GT. GRCh37 (hg19) VCF-style: chr12-88533295-G-GT.
Other names: short protein forms A76fs.
Identifiers: ClinVar variation 3754860 (VCV003754860.2).
Genomic context (GRCh38, chr12:88,139,518, plus strand): 5'-ATTTAATACCATAATAAACTTTTTCCAAGGTGCTTACCAAATTTTGCTTGTTCTTCTCCA[G>GT]CTTTTTCTACTTCTTCCAAAGCCAGCTCCACTTCTTGAGCTTTCATCTAAACATTAAAAA-3'

ClinVar aggregate classification (germline): Pathogenic (1 of 4 stars; one submission).

Conditions:
Joubert syndrome. Also called: CEREBELLOPARENCHYMAL DISORDER IV; JOUBERT-BOLTSHAUSER SYNDROME; Familial aplasia of the vermis. Identifiers: Orphanet 475, MedGen C5979921, MONDO:0018772.
Nephronophthisis. Also called: Juvenile Nephronophthisis. Identifiers: Orphanet 655, MedGen C0687120, MONDO:0019005, HP:0000090.
Meckel-Gruber syndrome. Also called: DYSENCEPHALIA SPLANCHNOCYSTICA; GRUBER SYNDROME; Dysencephalia splachnocystica. Identifiers: Orphanet 564, MedGen C0265215, MONDO:0018921.

Submission:

Labcorp Genetics (formerly Invitae), Labcorp
Classification: Pathogenic for Joubert syndrome; Meckel-Gruber syndrome; Nephronophthisis. Last evaluated: 2024-02-22. Review status: criteria provided, single submitter. Criteria: Invitae Variant Classification Sherloc (09022015). Collection method: clinical testing. Allele origin: germline.
Comment: This sequence change creates a premature translational stop signal (p.Ala76Aspfs*9) in the CEP290 gene. It is expected to result in an absent or disrupted protein product. Loss-of-function variants in CEP290 are known to be pathogenic (PMID: 16909394, 17345604, 20690115). This variant is not present in population databases (gnomAD no frequency). This variant has not been reported in the literature in individuals affected with CEP290-related conditions. For these reasons, this variant has been classified as Pathogenic.

Literature cited by the submitters: PubMed 16909394; PubMed 17345604; PubMed 20690115.